The following is an entry in ClinVar:

NM_001696.4(ATP6V1E1):c.412A>C (p.Lys138Gln)

Gene: ATP6V1E1 (ATPase H+ transporting V1 subunit E1; minus strand). Cytogenetic location: 22q11.21.
Variant type: single nucleotide variant.
Coding change: c.412A>C on transcript NM_001696.4 (MANE Select); coding-DNA position 412, A replaced by C.
Protein change: p.Lys138Gln; replaces lysine 138 with glutamine.
Molecular consequence: missense variant.
Genome position (GRCh38, 1-based): chr22:17,600,050, T>G on the plus strand (A>C on the coding strand, the complement: ATP6V1E1 is on the minus strand). VCF-style: chr22-17600050-T-G. GRCh37 (hg19) VCF-style: chr22-18082816-T-G.
Other names: c.346A>C, p.Lys116Gln (NM_001039366.1); c.322A>C, p.Lys108Gln (NM_001039367.1); short protein forms K108Q, K116Q, K138Q.
Identifiers: ClinVar variation 1187239 (VCV001187239.30), dbSNP rs201028167, ClinGen allele CA10090115.
Genomic context (GRCh38, chr22:17,600,050, plus strand): 5'-GAGGGAGGGAGGGAAAAAATTATCCTAAGTTCTTTACCTTTACCAGAGGGAAATCTTGTT[T>G]CCTGCAACGAACAATCATTCGGGGCTCCAGCAACTGGTACAAACCCTGGAAGAAATAGTA-3'
Protein context (NP_001687.1, residues 128-148): LEPRMIVRCR[Lys138Gln]QDFPLVKAAV

ClinVar aggregate classification (germline): Uncertain significance. Review status: criteria provided, multiple submitters, no conflicts (2 of 4 stars). 3 submissions from 3 submitters: Uncertain significance (3). Last evaluated 2025-02-01.

Allele frequency attached by ClinVar (database versions not stated): ExAC 0.00006; gnomAD 0.00009 and 0.00011; gnomAD exomes 0.00010 and 0.00029; TOPMed 0.00016.
gnomAD v4.1: 422 of 1,613,878 alleles (0.026%); highest among the groups gnomAD compares: Non-Finnish European, 0.035%; no homozygotes.

Submissions (3):

CeGaT Center for Human Genetics Tuebingen
Classification: Uncertain significance. Last evaluated: 2025-02-01. Review status: criteria provided, single submitter. Criteria: CeGaT Center For Human Genetics Tuebingen Variant Classification Criteria Version 2. Collection method: clinical testing. Allele origin: germline. Affected: yes. Observed: 2 variant alleles.

GeneDx
Classification: Uncertain significance. Last evaluated: 2024-05-29. Review status: criteria provided, single submitter. Criteria: GeneDx Variant Classification Process June 2021. Collection method: clinical testing. Allele origin: germline. Affected: yes.
Comment: Has not been previously published as pathogenic or benign to our knowledge; In silico analysis supports that this missense variant does not alter protein structure/function

Labcorp Genetics (formerly Invitae), Labcorp
Classification: Uncertain significance. Last evaluated: 2022-11-03. Review status: criteria provided, single submitter. Criteria: Invitae Variant Classification Sherloc (09022015). Collection method: clinical testing. Allele origin: germline.
Comment: This sequence change replaces lysine, which is basic and polar, with glutamine, which is neutral and polar, at codon 138 of the ATP6V1E1 protein (p.Lys138Gln). This variant is present in population databases (rs201028167, gnomAD 0.02%). This variant has not been reported in the literature in individuals affected with ATP6V1E1-related conditions. ClinVar contains an entry for this variant (Variation ID: 1187239). Algorithms developed to predict the effect of missense changes on protein structure and function (SIFT, PolyPhen-2, Align-GVGD) all suggest that this variant is likely to be tolerated. In summary, the available evidence is currently insufficient to determine the role of this variant in disease. Therefore, it has been classified as a Variant of Uncertain Significance.